The following is an entry in ClinVar:

NM_004560.4(ROR2):c.119C>T (p.Pro40Leu)

Gene: ROR2 (ROR family WNT receptor 2; minus strand). Cytogenetic location: 9q22.31.
Variant type: single nucleotide variant.
Coding change: c.119C>T on transcript NM_004560.4 (MANE Select); coding-DNA position 119, C replaced by T.
Protein change: p.Pro40Leu; replaces proline 40 with leucine.
Molecular consequence: missense variant.
Genome position (GRCh38, 1-based): chr9:91,775,797, G>A on the plus strand (C>T on the coding strand, the complement: ROR2 is on the minus strand). VCF-style: chr9-91775797-G-A. GRCh37 (hg19) VCF-style: chr9-94538079-G-A.
Other names: c.119C>T, p.Pro40Leu (NM_001318204.2); short protein forms P40L.
Identifiers: ClinVar variation 2884445 (VCV002884445.4), dbSNP rs761159958, ClinGen allele CA5121132.
Genomic context (GRCh38, chr9:91,775,797, plus strand): 5'-TCACCTTTCAGAGTTGGAATCGGGCCGTCCTGCCCATCAAGGGGTCCTAAAGGGTCGTTC[G>A]GATCCAGAACCTCCACTTCACCTGGGAAAAAGAAACCAGGATAGGTATTAAACAAGTTTT-3'
Protein context (NP_004551.2, residues 30-50): RTSGEVEVLD[Pro40Leu]NDPLGPLDGQ

ClinVar aggregate classification (germline): Uncertain significance. Review status: criteria provided, multiple submitters, no conflicts (2 of 4 stars). 2 submissions from 2 submitters: Uncertain significance (2). Last evaluated 2024-04-06.

Conditions:
Intellectual disability. Also called: Intellectual functioning disability; intellectual disabilities; Intellectual developmental disorder. Identifiers: MedGen C3714756, MeSH D008607, MONDO:0001071, HP:0001249.

Allele frequency attached by ClinVar (database versions not stated): ExAC 0.00001; TOPMed 0.00002; gnomAD 0.00001.
gnomAD v4.1: 38 of 1,613,992 alleles (0.0024%); highest among the groups gnomAD compares: Admixed American, 0.005%; no homozygotes.

Submissions (2):

Labcorp Genetics (formerly Invitae), Labcorp
Classification: Uncertain significance. Last evaluated: 2024-04-06. Review status: criteria provided, single submitter. Criteria: Invitae Variant Classification Sherloc (09022015). Collection method: clinical testing. Allele origin: germline.
Comment: This sequence change replaces proline, which is neutral and non-polar, with leucine, which is neutral and non-polar, at codon 40 of the ROR2 protein (p.Pro40Leu). The frequency data for this variant in the population databases is considered unreliable, as metrics indicate poor data quality at this position in the gnomAD database. This variant has not been reported in the literature in individuals affected with ROR2-related conditions. Advanced modeling of protein sequence and biophysical properties (such as structural, functional, and spatial information, amino acid conservation, physicochemical variation, residue mobility, and thermodynamic stability) performed at Invitae indicates that this missense variant is not expected to disrupt ROR2 protein function with a negative predictive value of 95%. In summary, the available evidence is currently insufficient to determine the role of this variant in disease. Therefore, it has been classified as a Variant of Uncertain Significance.

Cambridge Genomics Laboratory, East Genomic Laboratory Hub, NHS Genomic Medicine Service
Classification: Uncertain significance for Intellectual disability. Last evaluated: 2020-04-28. Review status: criteria provided, single submitter. Criteria: ACGS Best Practice Guidelines for Variant Classification in Rare Disease 2020. Collection method: clinical testing. Allele origin: germline. Affected: yes. Observed: 1 variant allele.